The following is an entry in ClinVar:

ClinVar aggregate classification (germline): Conflicting classifications of pathogenicity. Review status: criteria provided, conflicting classifications (1 of 4 stars). 2 submissions from 2 submitters: Uncertain significance (1); Likely benign (1). Last evaluated 2026-09-08.

Conditions:
Hereditary cancer-predisposing syndrome. Also called: Hereditary Cancer Syndrome; Neoplastic Syndromes, Hereditary; Hereditary neoplastic syndrome; Tumor predisposition. Identifiers: Orphanet 140162, MedGen C0027672, MeSH D009386, MONDO:0015356.
Gastrointestinal stromal tumor. Also called: Gastrointestinal stromal tumor, somatic; Gastrointestinal stroma tumor. Identifiers: Orphanet 44890, MedGen C0238198, MeSH D046152, MONDO:0011719, OMIM 606764, HP:0100723.

Submissions (2):

Ambry Genetics
Classification: Likely benign for Hereditary cancer-predisposing syndrome. Last evaluated: 2026-09-08. Review status: criteria provided, single submitter. Criteria: Ambry Variant Classification Scheme 2023. Collection method: clinical testing. Allele origin: germline.

Labcorp Genetics (formerly Invitae), Labcorp
Classification: Uncertain significance for Gastrointestinal stromal tumor. Last evaluated: 2023-05-20. Review status: criteria provided, single submitter. Criteria: Invitae Variant Classification Sherloc (09022015). Collection method: clinical testing. Allele origin: germline.
Comment: In summary, the available evidence is currently insufficient to determine the role of this variant in disease. Therefore, it has been classified as a Variant of Uncertain Significance. Advanced modeling of protein sequence and biophysical properties (such as structural, functional, and spatial information, amino acid conservation, physicochemical variation, residue mobility, and thermodynamic stability) performed at Invitae indicates that this missense variant is not expected to disrupt PDGFRA protein function. ClinVar contains an entry for this variant (Variation ID: 1390296). This variant has not been reported in the literature in individuals affected with PDGFRA-related conditions. This variant is not present in population databases (gnomAD no frequency). This sequence change replaces alanine, which is neutral and non-polar, with threonine, which is neutral and polar, at codon 978 of the PDGFRA protein (p.Ala978Thr).

NM_006206.6(PDGFRA):c.2932G>A (p.Ala978Thr)

Gene: PDGFRA (platelet derived growth factor receptor alpha; plus strand). Cytogenetic location: 4q12.
Variant type: single nucleotide variant.
Coding change: c.2932G>A on transcript NM_006206.6 (MANE Select); coding-DNA position 2932, G replaced by A.
Protein change: p.Ala978Thr; replaces alanine 978 with threonine.
Molecular consequence: missense variant.
Genome position (GRCh38, 1-based): chr4:54,290,364, G>A. VCF-style: chr4-54290364-G-A. GRCh37 (hg19) VCF-style: chr4-55156531-G-A.
Other names: c.3007G>A, p.Ala1003Thr (NM_001347828.2); c.2932G>A, p.Ala978Thr (NM_001347829.2); c.2971G>A, p.Ala991Thr (NM_001347830.2); c.2932G>A (NM_006206.4); short protein forms A978T, A1003T, A991T.
Identifiers: ClinVar variation 1390296 (VCV001390296.7), dbSNP rs770822231, ClinGen allele CA356896019.